The following is an entry in ClinVar:

NM_017514.5(PLXNA3):c.1820G>C (p.Arg607Thr)

Gene: PLXNA3 (plexin A3; plus strand). Cytogenetic location: Xq28.
Variant type: single nucleotide variant.
Coding change: c.1820G>C on transcript NM_017514.5 (MANE Select); coding-DNA position 1820, G replaced by C.
Protein change: p.Arg607Thr; replaces arginine 607 with threonine.
Molecular consequence: missense variant.
Genome position (GRCh38, 1-based): chrX:154,464,305, G>C. VCF-style: chrX-154464305-G-C. GRCh37 (hg19) VCF-style: chrX-153692648-G-C.
Other names: short protein forms R607T.
Identifiers: ClinVar variation 3350143 (VCV003350143.1).

ClinVar aggregate classification (germline): Uncertain significance (0 of 4 stars; one submission).

Conditions:
PLXNA3-related disorder. Also called: PLXNA3-related condition.

Submission:

PreventionGenetics, part of Exact Sciences
Classification: Uncertain significance for PLXNA3-related condition. Last evaluated: 2023-11-01. Review status: no assertion criteria provided. Collection method: clinical testing. Allele origin: germline.
Comment: The PLXNA3 c.1820G>C variant is predicted to result in the amino acid substitution p.Arg607Thr. To our knowledge, this variant has not been reported in the literature or in a large population database, indicating this variant is rare. At this time, the clinical significance of this variant is uncertain due to the absence of conclusive functional and genetic evidence.